The following is an entry in ClinVar:

ClinVar aggregate classification (germline): Uncertain significance (1 of 4 stars; one submission).

Allele frequency attached by ClinVar (database versions not stated): gnomAD exomes 0.00002.
gnomAD v4.1: 28 of 1,613,976 alleles (0.0017%); highest among the groups gnomAD compares: Non-Finnish European, 0.0023%; no homozygotes.

Submission:

Ambry Genetics
Classification: Uncertain significance. Last evaluated: 2023-09-05. Review status: criteria provided, single submitter. Criteria: Ambry Variant Classification Scheme 2023. Collection method: clinical testing. Allele origin: germline.
Comment: The p.T152I variant (also known as c.455C>T), located in coding exon 5 of the STAP1 gene, results from a C to T substitution at nucleotide position 455. The threonine at codon 152 is replaced by isoleucine, an amino acid with similar properties. This amino acid position is conserved. In addition, this alteration is predicted to be tolerated by in silico analysis. Since supporting evidence is limited at this time, the clinical significance of this alteration remains unclear.

NM_012108.4(STAP1):c.455C>T (p.Thr152Ile)

Gene: STAP1 (signal transducing adaptor family member 1; plus strand). Cytogenetic location: 4q13.2.
Variant type: single nucleotide variant.
Coding change: c.455C>T on transcript NM_012108.4 (MANE Select); coding-DNA position 455, C replaced by T.
Protein change: p.Thr152Ile; replaces threonine 152 with isoleucine.
Molecular consequence: missense variant.
Genome position (GRCh38, 1-based): chr4:67,581,396, C>T. VCF-style: chr4-67581396-C-T. GRCh37 (hg19) VCF-style: chr4-68447114-C-T.
Other names: c.455C>T, p.Thr152Ile (NM_001317769.2); short protein forms T152I.
Identifiers: ClinVar variation 2625613 (VCV002625613.2), dbSNP rs2109864863, ClinGen allele CA357051406.